The following is an entry in ClinVar:

NM_001111.5(ADAR):c.925A>G (p.Asn309Asp)

Gene: ADAR (adenosine deaminase RNA specific; minus strand). Cytogenetic location: 1q21.3.
Variant type: single nucleotide variant.
Coding change: c.925A>G on transcript NM_001111.5 (MANE Select); coding-DNA position 925, A replaced by G.
Protein change: p.Asn309Asp; replaces asparagine 309 with aspartic acid.
Molecular consequence: missense variant.
Genome position (GRCh38, 1-based): chr1:154,601,717, T>C on the plus strand (A>G on the coding strand, the complement: ADAR is on the minus strand). VCF-style: chr1-154601717-T-C. GRCh37 (hg19) VCF-style: chr1-154574193-T-C.
Other names: c.40A>G, p.Asn14Asp (NM_001025107.3, NM_001193495.2, NM_001365046.1 and 3 more transcripts); c.952A>G, p.Asn318Asp (NM_001365045.1); c.925A>G, p.Asn309Asp (NM_015840.4, NM_015841.4); short protein forms N14D, N309D, N318D.
Identifiers: ClinVar variation 2948907 (VCV002948907.3), dbSNP rs2526656804, ClinGen allele CA342599277.

ClinVar aggregate classification (germline): Uncertain significance (1 of 4 stars; one submission).

Conditions:
Symmetrical dyschromatosis of extremities (DSH). Also called: DYSCHROMATOSIS SYMMETRICA HEREDITARIA 1; RETICULATE ACROPIGMENTATION OF DOHI; SYMMETRIC DYSCHROMATOSIS OF THE EXTREMITIES; Dyschromatosis symmetrica hereditaria. Identifiers: Orphanet 41, MedGen C0406775, MONDO:0007483, OMIM 127400.
Aicardi-Goutieres syndrome 6 (AGS6). Identifiers: Orphanet 51, MedGen C3539013, MONDO:0014007, OMIM 615010.

Allele frequency attached by ClinVar (database versions not stated): gnomAD exomes below 0.00001.
gnomAD v4.1: 2 of 1,614,196 alleles (0.00012%); highest among the groups gnomAD compares: Non-Finnish European, 0.00017%; no homozygotes.

Submission:

Labcorp Genetics (formerly Invitae), Labcorp
Classification: Uncertain significance for Aicardi-Goutieres syndrome 6; Symmetrical dyschromatosis of extremities. Last evaluated: 2023-06-23. Review status: criteria provided, single submitter. Criteria: Invitae Variant Classification Sherloc (09022015). Collection method: clinical testing. Allele origin: germline.
Comment: This sequence change replaces asparagine, which is neutral and polar, with aspartic acid, which is acidic and polar, at codon 309 of the ADAR protein (p.Asn309Asp). This variant is not present in population databases (gnomAD no frequency). This variant has not been reported in the literature in individuals affected with ADAR-related conditions. Advanced modeling of protein sequence and biophysical properties (such as structural, functional, and spatial information, amino acid conservation, physicochemical variation, residue mobility, and thermodynamic stability) performed at Invitae indicates that this missense variant is not expected to disrupt ADAR protein function. In summary, the available evidence is currently insufficient to determine the role of this variant in disease. Therefore, it has been classified as a Variant of Uncertain Significance.